The following is an entry in ClinVar:

NM_004006.3(DMD):c.4857_4859del (p.Glu1620del)

Gene: DMD (dystrophin; minus strand). Cytogenetic location: Xp21.1.
Variant type: Deletion.
Coding change: c.4857_4859del on transcript NM_004006.3 (MANE Select); coding-DNA positions 4857 to 4859, 3 bases deleted (AGA; older notation c.4857_4859delAGA).
Protein change: p.Glu1620del; deletes glutamic acid 1620.
Genome position (GRCh38, 1-based): chrX:32,365,186-32,365,188, TCT deleted on the plus strand (AGA on the coding strand, the reverse complement: DMD is on the minus strand); deleting any 3 consecutive bases within chrX:32,365,186-32,365,189 gives the same sequence; the c. name uses the placement nearest the transcript's 3' end. VCF-style (leftmost placement, unchanged base first): chrX-32365185-CTCT-C. GRCh37 (hg19) VCF-style: chrX-32383302-CTCT-C.
Other names: c.4833_4835del, p.Glu1612del (NM_000109.4); c.4845_4847del, p.Glu1616del (NM_004009.3); c.4488_4490del, p.Glu1497del (NM_004010.3); c.834_836del, p.Glu279del (NM_004011.4); c.825_827del, p.Glu276del (NM_004012.4); short protein forms E279del, E1497del, E1612del, E1616del, E1620del, E276del.
Identifiers: ClinVar variation 3648994 (VCV003648994.2).

ClinVar aggregate classification (germline): Uncertain significance (1 of 4 stars; one submission).

Conditions:
Duchenne muscular dystrophy (DMD). Also called: MUSCULAR DYSTROPHY, PSEUDOHYPERTROPHIC PROGRESSIVE, DUCHENNE TYPE; Duchenne Muscular Dystrophy (DMD). Identifiers: Orphanet 98896, MedGen C0013264, MONDO:0010679, OMIM 310200.

Submission:

Labcorp Genetics (formerly Invitae), Labcorp
Classification: Uncertain significance for Duchenne muscular dystrophy. Last evaluated: 2025-05-01. Review status: criteria provided, single submitter. Criteria: Invitae Variant Classification Sherloc (09022015). Collection method: clinical testing. Allele origin: germline.
Comment: This variant, c.4857_4859del, results in the deletion of 1 amino acid(s) of the DMD protein (p.Glu1620del), but otherwise preserves the integrity of the reading frame. This variant is not present in population databases (gnomAD no frequency). This variant has not been reported in the literature in individuals affected with DMD-related conditions. ClinVar contains an entry for this variant (Variation ID: 3648994). Experimental studies and prediction algorithms are not available or were not evaluated, and the functional significance of this variant is currently unknown. In summary, the available evidence is currently insufficient to determine the role of this variant in disease. Therefore, it has been classified as a Variant of Uncertain Significance.